The following is an entry in ClinVar:

NM_001244008.2(KIF1A):c.*10C>G

Gene: KIF1A (kinesin family member 1A; minus strand). Cytogenetic location: 2q37.3.
Variant type: single nucleotide variant.
Coding change: c.*10C>G on transcript NM_001244008.2 (MANE Select); 10 bases downstream of the stop codon, C replaced by G.
Molecular consequence: 3 prime UTR variant.
Genome position (GRCh38, 1-based): chr2:240,717,354, G>C on the plus strand (C>G on the coding strand, the complement: KIF1A is on the minus strand). VCF-style: chr2-240717354-G-C. GRCh37 (hg19) VCF-style: chr2-241656771-G-C.
Other names: c.*10C>G (NM_001320705.2, NM_001330289.2, NM_001330290.2 and 21 more transcripts).
Identifiers: ClinVar variation 3061632 (VCV003061632.2), dbSNP rs763602305, ClinGen allele CA2663988157.
Genomic context (GRCh38, chr2:240,717,354, plus strand): 5'-GGTGACAGGACAGACGAGGATGAGGGAGGGGATGGGCTGGGCCTGCCGGCTGTCACGGGA[G>C]GGCTCAGGTTCAGACCCGCATCTGGGCAGACCTCCTTCTGGAGAGCTTGGACCTGCAGAA-3'

ClinVar aggregate classification (germline): Likely benign (0 of 4 stars; one submission).

Conditions:
KIF1A-related disorder. Also called: KIF1A-related disorders; KIF1A-related condition.

gnomAD v4.1: 2 of 1,610,708 alleles (0.00012%); highest among the groups gnomAD compares: Non-Finnish European, 0.00017%; no homozygotes.

Submission:

PreventionGenetics, part of Exact Sciences
Classification: Likely benign for KIF1A-related condition. Last evaluated: 2021-05-27. Review status: no assertion criteria provided. Collection method: clinical testing. Allele origin: germline.
Comment: This variant is classified as likely benign based on ACMG/AMP sequence variant interpretation guidelines (Richards et al. 2015 PMID: 25741868, with internal and published modifications).